The following is an entry in ClinVar:

ClinVar aggregate classification (germline): Uncertain significance. Review status: criteria provided, multiple submitters, no conflicts (2 of 4 stars). 4 submissions from 4 submitters: Uncertain significance (4). Last evaluated 2026-08-20.

Conditions:
COL1A1-related disorder. Also called: COL1A1- related disease; COL1A1-related condition.
Osteogenesis imperfecta type I (OI1). Also called: OI, TYPE I; OSTEOGENESIS IMPERFECTA TARDA; OSTEOGENESIS IMPERFECTA WITH BLUE SCLERAE; Osteogenesis imperfecta type 1; Lobstein's Disease; Lobstein disease. Identifiers: Orphanet 216796, Orphanet 666, MedGen C0023931, MONDO:0008146, OMIM 166200. Disease mechanism: loss of function.

Allele frequency attached by ClinVar (database versions not stated): TOPMed 0.00001; gnomAD 0.00002; 1000 Genomes Project 30x 0.00016; 1000 Genomes Project 0.00020; gnomAD exomes 0.00001; ExAC 0.00001.
gnomAD v4.1: 25 of 1,613,302 alleles (0.0015%); highest among the groups gnomAD compares: East Asian, 0.013%; no homozygotes.

Submissions (4):

PreventionGenetics, part of Exact Sciences
Classification: Uncertain significance for COL1A1-related condition. Last evaluated: 2026-08-20. Review status: criteria provided, single submitter. Criteria: ACMG Guidelines, 2015. Collection method: clinical testing. Allele origin: germline.
Comment: The COL1A1 c.3107G>A variant is predicted to result in the amino acid substitution p.Arg1036His. To our knowledge, this variant has not been reported in the literature. This variant is reported in 0.0029% of alleles in individuals of Latino descent in gnomAD. At this time, the clinical significance of this variant is uncertain due to the absence of conclusive functional and genetic evidence.

Labcorp Genetics (formerly Invitae), Labcorp
Classification: Uncertain significance for Osteogenesis imperfecta type I. Last evaluated: 2026-01-09. Review status: criteria provided, single submitter. Criteria: Invitae Variant Classification Sherloc (09022015). Collection method: clinical testing. Allele origin: germline.
Comment: This sequence change replaces arginine, which is basic and polar, with histidine, which is basic and polar, at codon 1036 of the COL1A1 protein (p.Arg1036His). This variant is present in population databases (rs540596243, gnomAD 0.006%). This variant has not been reported in the literature in individuals affected with COL1A1-related conditions. ClinVar contains an entry for this variant (Variation ID: 2051427). Invitae Evidence Modeling of protein sequence and biophysical properties (such as structural, functional, and spatial information, amino acid conservation, physicochemical variation, residue mobility, and thermodynamic stability) indicates that this missense variant is expected to disrupt COL1A1 protein function with a positive predictive value of 95%. In summary, the available evidence is currently insufficient to determine the role of this variant in disease. Therefore, it has been classified as a Variant of Uncertain Significance.

GeneDx
Classification: Uncertain significance. Last evaluated: 2025-07-29. Review status: criteria provided, single submitter. Criteria: GeneDx Variant Classification Process June 2021. Collection method: clinical testing. Allele origin: germline. Affected: yes.
Comment: Has not been previously published as pathogenic or benign to our knowledge; Not observed at significant frequency in large population cohorts (gnomAD); In silico analysis supports that this missense variant has a deleterious effect on protein structure/function; Occurs in the triple helical domain at the Y position in the canonical Gly-X-Y repeat; although this variant may have an effect on normal protein folding and function, missense substitution at the Y position is not a common mechanism of disease (HGMD); Also known as c.2573G>A p.(R858H)

Women's Health and Genetics/Laboratory Corporation of America, LabCorp
Classification: Uncertain significance. Last evaluated: 2025-05-15. Review status: criteria provided, single submitter. Criteria: LabCorp Variant Classification Summary - May 2015. Collection method: clinical testing. Allele origin: germline.
Comment: Variant summary: COL1A1 c.3107G>A (p.Arg1036His) results in a non-conservative amino acid change in the encoded protein sequence. Algorithms developed to predict the effect of missense changes on protein structure and function all suggest that this variant is likely to be disruptive. The variant allele was found at a frequency of 8e-06 in 250562 control chromosomes. The available data on variant occurrences in the general population are insufficient to allow any conclusion about variant significance. To our knowledge, no occurrence of c.3107G>A in individuals affected with Osteogenesis imperfecta type I or other COL1A1-related disorders and no experimental evidence demonstrating its impact on protein function have been reported. ClinVar contains an entry for this variant (Variation ID: 2051427). Based on the evidence outlined above, the variant was classified as uncertain significance.

NM_000088.4(COL1A1):c.3107G>A (p.Arg1036His)

Gene: COL1A1 (collagen type I alpha 1 chain; minus strand). Cytogenetic location: 17q21.33.
Variant type: single nucleotide variant.
Coding change: c.3107G>A on transcript NM_000088.4 (MANE Select); coding-DNA position 3107, G replaced by A.
Protein change: p.Arg1036His; replaces arginine 1036 with histidine.
Molecular consequence: missense variant.
Genome position (GRCh38, 1-based): chr17:50,188,630, C>T on the plus strand (G>A on the coding strand, the complement: COL1A1 is on the minus strand). VCF-style: chr17-50188630-C-T. GRCh37 (hg19) VCF-style: chr17-48265991-C-T.
Other names: short protein forms R1036H.
Identifiers: ClinVar variation 2051427 (VCV002051427.7), dbSNP rs540596243, ClinGen allele CA8644557.